The following is an entry in ClinVar:

NM_000548.5(TSC2):c.1609C>G (p.Arg537Gly)

Gene: TSC2 (TSC complex subunit 2; plus strand). Cytogenetic location: 16p13.3.
Variant type: single nucleotide variant.
Coding change: c.1609C>G on transcript NM_000548.5 (MANE Select); coding-DNA position 1609, C replaced by G.
Protein change: p.Arg537Gly; replaces arginine 537 with glycine.
Molecular consequence: missense variant.
Genome position (GRCh38, 1-based): chr16:2,065,528, C>G. VCF-style: chr16-2065528-C-G. GRCh37 (hg19) VCF-style: chr16-2115529-C-G.
Other names: c.1609C>G, p.Arg537Gly (NM_001077183.3, NM_001114382.3, NM_001363528.2 and 3 more transcripts); c.1498C>G, p.Arg500Gly (NM_001318827.2); c.1462C>G, p.Arg488Gly (NM_001318829.2); c.1009C>G, p.Arg337Gly (NM_001318831.2); c.1642C>G, p.Arg548Gly (NM_001318832.2); short protein forms R488G, R500G, R548G, R337G, R537G.
Identifiers: ClinVar variation 1479104 (VCV001479104.8), dbSNP rs142257684, ClinGen allele CA394267587.

ClinVar aggregate classification (germline): Uncertain significance (1 of 4 stars; one submission).

Conditions:
Tuberous sclerosis 2 (TSC2). Identifiers: Orphanet 805, MedGen C1860707, MONDO:0013199, OMIM 613254.

Submission:

Labcorp Genetics (formerly Invitae), Labcorp
Classification: Uncertain significance for Tuberous sclerosis 2. Last evaluated: 2024-09-17. Review status: criteria provided, single submitter. Criteria: Invitae Variant Classification Sherloc (09022015). Collection method: clinical testing. Allele origin: germline.
Comment: This sequence change replaces arginine, which is basic and polar, with glycine, which is neutral and non-polar, at codon 537 of the TSC2 protein (p.Arg537Gly). This variant is not present in population databases (gnomAD no frequency). This variant has not been reported in the literature in individuals affected with TSC2-related conditions. ClinVar contains an entry for this variant (Variation ID: 1479104). Invitae Evidence Modeling of protein sequence and biophysical properties (such as structural, functional, and spatial information, amino acid conservation, physicochemical variation, residue mobility, and thermodynamic stability) indicates that this missense variant is not expected to disrupt TSC2 protein function with a negative predictive value of 95%. In summary, the available evidence is currently insufficient to determine the role of this variant in disease. Therefore, it has been classified as a Variant of Uncertain Significance.